The following is an entry in ClinVar:

ClinVar aggregate classification (germline): Uncertain significance. Review status: criteria provided, single submitter (1 of 4 stars). 2 submissions from 2 submitters: Uncertain significance (1). 1 of the submissions does not count toward it. Last evaluated 2022-07-17.

Conditions:
Severe early-childhood-onset retinal dystrophy (STGD1). Also called: Stargardt macular dystrophy; Juvenile onset macular degeneration; Stargardt disease 1; MACULAR DYSTROPHY WITH FLECKS, TYPE 1; STGD. Identifiers: Orphanet 364055, Orphanet 827, MedGen C1855465, MeSH D000080362, MONDO:0009549, OMIM 248200.

Submissions (2):

Labcorp Genetics (formerly Invitae), Labcorp
Classification: Uncertain significance. Last evaluated: 2022-07-17. Review status: criteria provided, single submitter. Criteria: Invitae Variant Classification Sherloc (09022015). Collection method: clinical testing. Allele origin: germline.
Comment: This sequence change replaces leucine, which is neutral and non-polar, with proline, which is neutral and non-polar, at codon 634 of the ABCA4 protein (p.Leu634Pro). This variant is not present in population databases (gnomAD no frequency). This variant has not been reported in the literature in individuals affected with ABCA4-related conditions. Advanced modeling of protein sequence and biophysical properties (such as structural, functional, and spatial information, amino acid conservation, physicochemical variation, residue mobility, and thermodynamic stability) performed at Invitae indicates that this missense variant is expected to disrupt ABCA4 protein function. In summary, the available evidence is currently insufficient to determine the role of this variant in disease. Therefore, it has been classified as a Variant of Uncertain Significance.

Wuhan Primbio Medical Laboratory
Classification: Uncertain significance for Severe early-childhood-onset retinal dystrophy. Last evaluated: 2023-11-10. Review status: no assertion criteria provided. Collection method: clinical testing. Allele origin: paternal. Affected: yes. Observed: 1 variant allele. Not counted in ClinVar's aggregate classification.
Comment: This sequence change replaces leucine with proline at codon 634 of the ABCA4 protein (p.Leu634Pro). This variant is not present in population databases (gnomAD no frequency). This variant has not been reported in the literature in individuals affected with ABCA4-related conditions. The results of in silico prediction are controversial. In summary, the available evidence is currently insufficient to determine the role of this variant in disease. Therefore, it has been classified as a Variant of Uncertain Significance.

NM_000350.3(ABCA4):c.1901T>C (p.Leu634Pro)

Gene: ABCA4 (ATP binding cassette subfamily A member 4; minus strand). Cytogenetic location: 1p22.1.
Variant type: single nucleotide variant.
Coding change: c.1901T>C on transcript NM_000350.3 (MANE Select); coding-DNA position 1901, T replaced by C.
Protein change: p.Leu634Pro; replaces leucine 634 with proline.
Molecular consequence: missense variant.
Genome position (GRCh38, 1-based): chr1:94,062,613, A>G on the plus strand (T>C on the coding strand, the complement: ABCA4 is on the minus strand). VCF-style: chr1-94062613-A-G. GRCh37 (hg19) VCF-style: chr1-94528169-A-G.
Other names: c.1901T>C, p.Leu634Pro (NM_001425324.1); short protein forms L634P.
Identifiers: ClinVar variation 2004033 (VCV002004033.6), dbSNP rs1037595939, ClinGen allele CA341279288.
Genomic context (GRCh38, chr1:94,062,613, plus strand): 5'-GAGGATCGCGAACTTCAGACTCACGAATCGTCCACGAAGCAGGGGTAGGGCATCTGCTGG[A>G]GGTAGATTCCAACTGGAGCCTCCGCCTGCACCTGGCTCCTTGTGATCCCCTGTTCAACCA-3'
Protein context (NP_000341.2, residues 624-644): VQAEAPVGIY[Leu634Pro]QQMPYPCFVD